The following is an entry in ClinVar:

ClinVar aggregate classification (germline): Conflicting classifications of pathogenicity. Review status: criteria provided, conflicting classifications (1 of 4 stars). 7 submissions from 7 submitters: Uncertain significance (6); Likely benign (1). Last evaluated 2026-01-10.

Conditions:
CACNA1S-related disorder. Also called: CACNA1S-related condition.
Hypokalemic periodic paralysis, type 1. Also called: HypoPP; Hypokalemic Periodic Paralysis Type 1 (AD). Identifiers: Orphanet 681, MedGen C3714580, MONDO:0042979, OMIM 170400.
Malignant hyperthermia, susceptibility to, 5 (MHS5). Also called: CACNA1S-Related Malignant Hyperthermia Susceptibility. Identifiers: Orphanet 423, MedGen C1866077, MONDO:0011163, OMIM 601887.
Thyrotoxic periodic paralysis, susceptibility to, 1 (TTPP1). Identifiers: Orphanet 79102, MedGen C2749982, MONDO:0008570, OMIM 188580.

Allele frequency attached by ClinVar (database versions not stated): ExAC 0.00002; TOPMed 0.00003; gnomAD exomes 0.00004 and 0.00011; gnomAD 0.00005; ESP Exome Variant Server 0.00008.
gnomAD v4.1: 167 of 1,613,800 alleles (0.01%); highest among the groups gnomAD compares: Non-Finnish European, 0.014%; no homozygotes.

Submissions (7):

Labcorp Genetics (formerly Invitae), Labcorp
Classification: Likely benign for Hypokalemic periodic paralysis, type 1; Malignant hyperthermia, susceptibility to, 5. Last evaluated: 2026-01-10. Review status: criteria provided, single submitter. Criteria: Invitae Variant Classification Sherloc (09022015). Collection method: clinical testing. Allele origin: germline.

PreventionGenetics, part of Exact Sciences
Classification: Uncertain significance for CACNA1S-related condition. Last evaluated: 2025-01-14. Review status: criteria provided, single submitter. Criteria: ACMG Guidelines, 2015. Collection method: clinical testing. Allele origin: germline.
Comment: The CACNA1S c.2726A>G variant is predicted to result in the amino acid substitution p.Asn909Ser. This variant was reported in an individual with malignant hyperthermia susceptibility; however, additional evidence for pathogenicity was not provided (Miller et al. 2018. PubMed ID: 30236257). This variant is reported in 0.0079% of alleles in individuals of European (non-Finnish) descent in gnomAD. At this time, the clinical significance of this variant is uncertain due to the absence of conclusive functional and genetic evidence.

Color Diagnostics, LLC DBA Color Health
Classification: Uncertain significance for Malignant hyperthermia, susceptibility to, 5. Last evaluated: 2024-05-23. Review status: criteria provided, single submitter. Criteria: ACMG Guidelines, 2015. Collection method: clinical testing. Allele origin: germline.
Comment: This missense variant replaces asparagine with serine at codon 909 of the CACNA1S protein. Computational prediction suggests that this variant may have deleterious impact on protein structure and function. To our knowledge, functional studies have not been reported for this variant. This variant has been reported in one family affected with malignant hyperthermia susceptibility (PMID: 30236257). This variant has been identified in 9/251346 chromosomes in the general population by the Genome Aggregation Database (gnomAD). The available evidence is insufficient to determine the role of this variant in disease conclusively. Therefore, this variant is classified as a Variant of Uncertain Significance.

All of Us Research Program, National Institutes of Health
Classification: Uncertain significance for Malignant hyperthermia, susceptibility to, 5. Last evaluated: 2024-01-11. Review status: criteria provided, single submitter. Criteria: ACMG Guidelines, 2015. Collection method: clinical testing. Allele origin: germline. Inheritance: Autosomal dominant inheritance. Observed: 13 variant alleles, 13 heterozygotes.
Comment: This missense variant replaces asparagine with serine at codon 909 of the CACNA1S protein. Computational prediction suggests that this variant may have deleterious impact on protein structure and function (internally defined REVEL score threshold >= 0.7, PMID: 27666373). To our knowledge, functional studies have not been reported for this variant. This variant has been reported in one family affected with malignant hyperthermia susceptibility (PMID: 30236257). This variant has been identified in 9/251346 chromosomes in the general population by the Genome Aggregation Database (gnomAD). The available evidence is insufficient to determine the role of this variant in disease conclusively. Therefore, this variant is classified as a Variant of Uncertain Significance.

This study involves interpretation of variants in research participants for the purpose of population health screening. Participant phenotype was not available at the time of variant classification. Additional details can be found in publication PMID: 35346344, PMCID: PMC8962531

Revvity Omics, Revvity
Classification: Uncertain significance. Last evaluated: 2023-12-11. Review status: criteria provided, single submitter. Criteria: ACMG Guidelines, 2015. Collection method: clinical testing. Allele origin: germline.

Fulgent Genetics
Classification: Uncertain significance for Hypokalemic periodic paralysis, type 1; Thyrotoxic periodic paralysis, susceptibility to, 1; Malignant hyperthermia, susceptibility to, 5. Last evaluated: 2022-05-10. Review status: criteria provided, single submitter. Criteria: ACMG Guidelines, 2015. Collection method: clinical testing. Allele origin: unknown.

GeneDx
Classification: Uncertain significance. Last evaluated: 2019-09-23. Review status: criteria provided, single submitter. Criteria: GeneDx Variant Classification Process June 2021. Collection method: clinical testing. Allele origin: germline. Affected: yes.
Comment: In silico analysis, which includes protein predictors and evolutionary conservation, supports a deleterious effect; Reported in a single family with malignant hyperthermia, but no additional information was not provided (Miller et al., 2018); This variant is associated with the following publications: (PMID: 30236257)

Literature cited by the submitters: PubMed 30236257 (cited by Color Diagnostics, LLC DBA Color Health and All of Us Research Program, National Institutes of Health).

NM_000069.3(CACNA1S):c.2726A>G (p.Asn909Ser)

Gene: CACNA1S (calcium voltage-gated channel subunit alpha1 S; minus strand). Cytogenetic location: 1q32.1.
Variant type: single nucleotide variant.
Coding change: c.2726A>G on transcript NM_000069.3 (MANE Select); coding-DNA position 2726, A replaced by G.
Protein change: p.Asn909Ser; replaces asparagine 909 with serine.
Molecular consequence: missense variant.
Genome position (GRCh38, 1-based): chr1:201,066,248, T>C on the plus strand (A>G on the coding strand, the complement: CACNA1S is on the minus strand). VCF-style: chr1-201066248-T-C. GRCh37 (hg19) VCF-style: chr1-201035376-T-C.
Other names: short protein forms N909S.
Identifiers: ClinVar variation 662514 (VCV000662514.16), dbSNP rs139935847, ClinGen allele CA079232.
Genomic context (GRCh38, chr1:201,066,248, plus strand): 5'-TCCCATTCCTCTCTGGGGCTCCTGCCCGGGCCCTCTCTCACCTTCAACCCCTTGGCTCTG[T>C]TGATGGCTCTGAGTGGTCGGAGCACCCTCAGCACCCTCAGGATCTTCACCACGGAGATGG-3'
Protein context (NP_000060.2, residues 899-919): LRVLRPLRAI[Asn909Ser]RAKGLKHVVQ